The following is an entry in ClinVar:

NM_015559.3(SETBP1):c.526G>A (p.Gly176Arg)

Gene: SETBP1 (SET binding protein 1; plus strand). Cytogenetic location: 18q12.3.
Variant type: single nucleotide variant.
Coding change: c.526G>A on transcript NM_015559.3 (MANE Select); coding-DNA position 526, G replaced by A.
Protein change: p.Gly176Arg; replaces glycine 176 with arginine.
Molecular consequence: missense variant.
Genome position (GRCh38, 1-based): chr18:44,869,269, G>A. VCF-style: chr18-44869269-G-A. GRCh37 (hg19) VCF-style: chr18-42449234-G-A.
Other names: c.526G>A, p.Gly176Arg (NM_001130110.2, NM_001379141.1, NM_001379142.1 and 1 more transcripts); short protein forms G176R.
Identifiers: ClinVar variation 2010208 (VCV002010208.4), dbSNP rs2511248020, ClinGen allele CA402482856.

ClinVar aggregate classification (germline): Uncertain significance (1 of 4 stars; one submission).

Submission:

Labcorp Genetics (formerly Invitae), Labcorp
Classification: Uncertain significance. Last evaluated: 2022-06-24. Review status: criteria provided, single submitter. Criteria: Invitae Variant Classification Sherloc (09022015). Collection method: clinical testing. Allele origin: germline.
Comment: This sequence change replaces glycine, which is neutral and non-polar, with arginine, which is basic and polar, at codon 176 of the SETBP1 protein (p.Gly176Arg). This variant is not present in population databases (gnomAD no frequency). This variant has not been reported in the literature in individuals affected with SETBP1-related conditions. Algorithms developed to predict the effect of missense changes on protein structure and function are either unavailable or do not agree on the potential impact of this missense change (SIFT: "Deleterious"; PolyPhen-2: "Benign"; Align-GVGD: "Class C0"). In summary, the available evidence is currently insufficient to determine the role of this variant in disease. Therefore, it has been classified as a Variant of Uncertain Significance.